The following is an entry in ClinVar:

NM_001854.4(COL11A1):c.1900-2A>G

Gene: COL11A1 (collagen type XI alpha 1 chain; minus strand). Cytogenetic location: 1p21.1.
Variant type: single nucleotide variant.
Coding change: c.1900-2A>G on transcript NM_001854.4 (MANE Select); the canonical splice acceptor site of the intron before coding-DNA position 1900, A replaced by G.
Molecular consequence: splice acceptor variant.
Genome position (GRCh38, 1-based): chr1:103,004,490, T>C on the plus strand (A>G on the coding strand, the complement: COL11A1 is on the minus strand). VCF-style: chr1-103004490-T-C. GRCh37 (hg19) VCF-style: chr1-103470046-T-C.
Other names: c.1783-2A>G (NM_001190709.2); c.1936-2A>G (NM_080629.3); c.1552-2A>G (NM_080630.4).
Identifiers: ClinVar variation 2753566 (VCV002753566.3), dbSNP rs2525386687, ClinGen allele CA341172756.

ClinVar aggregate classification (germline): Pathogenic (1 of 4 stars; one submission).

Submission:

Labcorp Genetics (formerly Invitae), Labcorp
Classification: Pathogenic. Last evaluated: 2024-03-04. Review status: criteria provided, single submitter. Criteria: Invitae Variant Classification Sherloc (09022015). Collection method: clinical testing. Allele origin: germline.
Comment: This sequence change affects an acceptor splice site in intron 19 of the COL11A1 gene. It is expected to disrupt RNA splicing. Variants that disrupt the donor or acceptor splice site typically lead to a loss of protein function (PMID: 16199547), and loss-of-function variants in COL11A1 are known to be pathogenic (PMID: 20513134, 21035103, 23922384, 25240749, 32427345, 32756486). This variant is not present in population databases (gnomAD no frequency). Disruption of this splice site has been observed in individuals with clinical features of Stickler syndrome (Invitae). Algorithms developed to predict the effect of sequence changes on RNA splicing suggest that this variant may disrupt the consensus splice site. For these reasons, this variant has been classified as Pathogenic.

Literature cited by the submitters: PubMed 16199547; PubMed 20513134; PubMed 21035103; PubMed 23922384; PubMed 25240749; PubMed 32427345; PubMed 32756486.